The following is an entry in ClinVar:

ClinVar aggregate classification (germline): Uncertain significance (1 of 4 stars; one submission).

Submission:

GeneDx
Classification: Uncertain significance. Last evaluated: 2023-04-24. Review status: criteria provided, single submitter. Criteria: GeneDx Variant Classification Process June 2021. Collection method: clinical testing. Allele origin: germline. Affected: yes.
Comment: Not observed at significant frequency in large population cohorts (gnomAD); In silico analysis supports that this missense variant has a deleterious effect on protein structure/function; Has not been previously published as pathogenic or benign to our knowledge

NM_004817.4(TJP2):c.1552G>C (p.Gly518Arg)

Gene: TJP2 (tight junction protein 2; plus strand). Cytogenetic location: 9q21.11.
Variant type: single nucleotide variant.
Coding change: c.1552G>C on transcript NM_004817.4 (MANE Select); coding-DNA position 1552, G replaced by C.
Protein change: p.Gly518Arg; replaces glycine 518 with arginine.
Molecular consequence: missense variant.
Genome position (GRCh38, 1-based): chr9:69,230,113, G>C. VCF-style: chr9-69230113-G-C. GRCh37 (hg19) VCF-style: chr9-71845029-G-C.
Other names: c.1483G>C, p.Gly495Arg (NM_001170414.2, NM_001369871.1); c.1564G>C, p.Gly522Arg (NM_001170415.1, NM_001369874.1, NM_001369875.1); c.1645G>C, p.Gly549Arg (NM_001170416.2); c.1477G>C, p.Gly493Arg (NM_001369870.1); c.1552G>C, p.Gly518Arg (NM_001369872.1, NM_001369873.1, NM_201629.3); short protein forms G495R, G518R, G522R, G549R, G493R.
Identifiers: ClinVar variation 3343125 (VCV003343125.1).